The following is an entry in ClinVar:

NM_000170.3(GLDC):c.1870G>A (p.Ala624Thr)

Gene: GLDC (glycine decarboxylase; minus strand). Cytogenetic location: 9p24.1.
Variant type: single nucleotide variant.
Coding change: c.1870G>A on transcript NM_000170.3 (MANE Select); coding-DNA position 1870, G replaced by A.
Protein change: p.Ala624Thr; replaces alanine 624 with threonine.
Molecular consequence: missense variant.
Genome position (GRCh38, 1-based): chr9:6,565,410, C>T on the plus strand (G>A on the coding strand, the complement: GLDC is on the minus strand). VCF-style: chr9-6565410-C-T. GRCh37 (hg19) VCF-style: chr9-6565410-C-T.
Other names: short protein forms A624T.
Identifiers: ClinVar variation 1042203 (VCV001042203.10), dbSNP rs143653301, ClinGen allele CA4980497.

ClinVar aggregate classification (germline): Uncertain significance. Review status: criteria provided, multiple submitters, no conflicts (2 of 4 stars). 3 submissions from 3 submitters: Uncertain significance (2). 1 of the submissions does not count toward it. Last evaluated 2022-08-16.

Conditions:
Glycine encephalopathy. Also called: Non-ketotic hyperglycinemia; Nonketotic hyperglycinemia. Identifiers: Orphanet 407, MedGen C0751748, MONDO:0011612, HP:0008288.

Allele frequency attached by ClinVar (database versions not stated): gnomAD 0.00001; ExAC 0.00002; gnomAD exomes 0.00002; TOPMed 0.00002; ESP Exome Variant Server 0.00015.
gnomAD v4.1: 63 of 1,613,494 alleles (0.0039%); highest among the groups gnomAD compares: Non-Finnish European, 0.0053%; no homozygotes.

Submissions (3):

Labcorp Genetics (formerly Invitae), Labcorp
Classification: Uncertain significance for Glycine encephalopathy. Last evaluated: 2022-08-16. Review status: criteria provided, single submitter. Criteria: Invitae Variant Classification Sherloc (09022015). Collection method: clinical testing. Allele origin: germline.
Comment: This sequence change replaces alanine, which is neutral and non-polar, with threonine, which is neutral and polar, at codon 624 of the GLDC protein (p.Ala624Thr). This variant has not been reported in the literature in individuals affected with GLDC-related conditions. ClinVar contains an entry for this variant (Variation ID: 1042203). In summary, the available evidence is currently insufficient to determine the role of this variant in disease. Therefore, it has been classified as a Variant of Uncertain Significance.

Blueprint Genetics
Classification: Uncertain significance. Last evaluated: 2021-05-12. Review status: criteria provided, single submitter. Criteria: ACMG Guidelines, 2015. Collection method: clinical testing. Allele origin: germline.

Natera, Inc.
Classification: Uncertain significance for Non-ketotic hyperglycinemia. Last evaluated: 2020-04-13. Review status: no assertion criteria provided. Collection method: clinical testing. Allele origin: germline. Not counted in ClinVar's aggregate classification.